The following is an entry in ClinVar:

NM_016734.3(PAX5):c.922G>A (p.Ala308Thr)

Gene: PAX5 (paired box 5; minus strand). Cytogenetic location: 9p13.2.
Variant type: single nucleotide variant.
Coding change: c.922G>A on transcript NM_016734.3 (MANE Select); coding-DNA position 922, G replaced by A.
Protein change: p.Ala308Thr; replaces alanine 308 with threonine.
Molecular consequence: missense variant. On other transcripts: non-coding transcript variant (2), intron variant (6).
Genome position (GRCh38, 1-based): chr9:36,882,094, C>T on the plus strand (G>A on the coding strand, the complement: PAX5 is on the minus strand). VCF-style: chr9-36882094-C-T. GRCh37 (hg19) VCF-style: chr9-36882091-C-T.
Other names: c.922G>A (NM_016734.1); c.922G>A, p.Ala308Thr (NM_001280548.2); c.793G>A, p.Ala265Thr (NM_001280553.2, NM_001280554.2); c.598G>A, p.Ala200Thr (NM_001280556.2); c.586+41261G>A (NM_001280551.2); c.713-35165G>A (NM_001280555.2); c.781-41458G>A (NM_001280550.2); c.781-35165G>A (NM_001280549.2); and 2 more; short protein forms A308T, A265T, A200T.
Identifiers: ClinVar variation 2038965 (VCV002038965.6), dbSNP rs1272553367, ClinGen allele CA373487242.

ClinVar aggregate classification (germline): Uncertain significance. Review status: criteria provided, multiple submitters, no conflicts (2 of 4 stars). 2 submissions from 2 submitters: Uncertain significance (2). Last evaluated 2025-08-10.

Conditions:
Inborn genetic diseases. Identifiers: MedGen C0950123, MeSH D030342.

Allele frequency attached by ClinVar (database versions not stated): gnomAD exomes below 0.00001; gnomAD 0.00001.
gnomAD v4.1: 9 of 1,595,480 alleles (0.00056%); highest among the groups gnomAD compares: Admixed American, 0.0052%; no homozygotes.

Submissions (2):

Ambry Genetics
Classification: Uncertain significance for Inborn genetic diseases. Last evaluated: 2025-08-10. Review status: criteria provided, single submitter. Criteria: Ambry Variant Classification Scheme 2023. Collection method: clinical testing. Allele origin: germline.

Labcorp Genetics (formerly Invitae), Labcorp
Classification: Uncertain significance. Last evaluated: 2022-06-26. Review status: criteria provided, single submitter. Criteria: Invitae Variant Classification Sherloc (09022015). Collection method: clinical testing. Allele origin: germline.
Comment: This sequence change replaces alanine, which is neutral and non-polar, with threonine, which is neutral and polar, at codon 308 of the PAX5 protein (p.Ala308Thr). This variant is present in population databases (no rsID available, gnomAD 0.006%). This variant has not been reported in the literature in individuals affected with PAX5-related conditions. Algorithms developed to predict the effect of missense changes on protein structure and function are either unavailable or do not agree on the potential impact of this missense change (SIFT: "Deleterious"; PolyPhen-2: "Benign"; Align-GVGD: "Class C0"). In summary, the available evidence is currently insufficient to determine the role of this variant in disease. Therefore, it has been classified as a Variant of Uncertain Significance.